The following is an entry in ClinVar:

ClinVar aggregate classification (germline): Benign. Review status: criteria provided, multiple submitters, no conflicts (2 of 4 stars). 5 submissions from 5 submitters: Benign (4). 1 of the submissions does not count toward it. Last evaluated 2021-05-04.

Conditions:
KRT13-related disorder. Also called: KRT13-related condition.
White sponge nevus 2 (WSN2). Identifiers: MedGen C4014321, MONDO:0014346, OMIM 615785.

Allele frequency attached by ClinVar (database versions not stated): ESP Exome Variant Server 0.02061; gnomAD exomes 0.00315 and 0.00631; ExAC 0.00748; gnomAD 0.01770 and 0.01881; 1000 Genomes Project 30x 0.01968; TOPMed 0.01985; 1000 Genomes Project 0.01997.

Submissions (10):

GeneDx
Classification: Benign. Last evaluated: 2021-05-04. Review status: criteria provided, single submitter. Criteria: GeneDx Variant Classification Process June 2021. Collection method: clinical testing. Allele origin: germline. Affected: yes.

Labcorp Genetics (formerly Invitae), Labcorp
Classification: Benign. Last evaluated: 2019-12-31. Review status: criteria provided, single submitter. Criteria: Invitae Variant Classification Sherloc (09022015). Collection method: clinical testing. Allele origin: germline.

Illumina Laboratory Services, Illumina
Classification: Benign for White sponge nevus 2. Last evaluated: 2018-01-13. Review status: criteria provided, single submitter. Criteria: ICSL Variant Classification Criteria 13 December 2019. Collection method: clinical testing. Allele origin: germline.
Comment: This variant was observed in the ICSL laboratory as part of a predisposition screen in an ostensibly healthy population. It had not been previously curated by ICSL or reported in the Human Gene Mutation Database (HGMD: prior to June 1st, 2018), and was therefore a candidate for classification through an automated scoring system. Utilizing variant allele frequency, disease prevalence and penetrance estimates, and inheritance mode, an automated score was calculated to assess if this variant is too frequent to cause the disease. Based on the score and internal cut-off values, a variant classified as benign is not then subjected to further curation. The score for this variant resulted in a classification of benign for this disease.

Breakthrough Genomics
Classification: Benign. Review status: criteria provided, single submitter. Criteria: ACMG Guidelines, 2015. Collection method: not provided. Allele origin: germline. Inheritance: Autosomal dominant inheritance. Affected: yes.

PreventionGenetics, part of Exact Sciences
Classification: Benign for KRT13-related condition. Last evaluated: 2019-07-16. Review status: no assertion criteria provided. Collection method: clinical testing. Allele origin: germline. Not counted in ClinVar's aggregate classification.
Comment: This variant is classified as benign based on ACMG/AMP sequence variant interpretation guidelines (Richards et al. 2015 PMID: 25741868, with internal and published modifications).

Dr. Peter K. Rogan Lab, Western University
No classification provided (evidence only). Condition: Uterine corpus endometrial carcinoma. Review status: no classification provided. Collection method: in vitro. Allele origin: not applicable. Functional consequence: retained intron. Not counted in ClinVar's aggregate classification.

Dr. Peter K. Rogan Lab, Western University
No classification provided (evidence only). Condition: Cervical cancer. Review status: no classification provided. Collection method: in vitro. Allele origin: not applicable. Functional consequence: retained intron. Not counted in ClinVar's aggregate classification.

Dr. Peter K. Rogan Lab, Western University
No classification provided (evidence only). Condition: Cervical cancer. Review status: no classification provided. Collection method: in vitro. Allele origin: not applicable. Functional consequence: retained intron. Not counted in ClinVar's aggregate classification.

Dr. Peter K. Rogan Lab, Western University
No classification provided (evidence only). Condition: Thymoma. Review status: no classification provided. Collection method: in vitro. Allele origin: not applicable. Functional consequence: retained intron. Not counted in ClinVar's aggregate classification.

Dr. Peter K. Rogan Lab, Western University
No classification provided (evidence only). Condition: Malignant tumor of esophagus. Review status: no classification provided. Collection method: in vitro. Allele origin: not applicable. Functional consequence: retained intron. Not counted in ClinVar's aggregate classification.

NM_153490.3(KRT13):c.736-7C>G

Gene: KRT13 (keratin 13; minus strand). Cytogenetic location: 17q21.2.
Variant type: single nucleotide variant.
Coding change: c.736-7C>G on transcript NM_153490.3 (MANE Select); 7 bases into the intron before coding-DNA position 736, C replaced by G.
Molecular consequence: intron variant.
Genome position (GRCh38, 1-based): chr17:41,503,105, G>C on the plus strand (C>G on the coding strand, the complement: KRT13 is on the minus strand). VCF-style: chr17-41503105-G-C. GRCh37 (hg19) VCF-style: chr17-39659357-G-C.
Other names: NC_000017.10:g.39659357G>C; c.736-7C>G (NM_002274.4).
Identifiers: ClinVar variation 323092 (VCV000323092.14), dbSNP rs34367942, ClinGen allele CA8560658.